The following is an entry in ClinVar:

ClinVar aggregate classification (germline): Likely benign. Review status: criteria provided, multiple submitters, no conflicts (2 of 4 stars). 4 submissions from 4 submitters: Likely benign (3). 1 of the submissions does not count toward it. Last evaluated 2025-08-28.

Conditions:
BLM-related disorder. Also called: BLM-related condition.
Hereditary cancer-predisposing syndrome. Also called: Neoplastic Syndromes, Hereditary; Hereditary Cancer Syndrome; Tumor predisposition; Hereditary neoplastic syndrome. Identifiers: Orphanet 140162, MedGen C0027672, MeSH D009386, MONDO:0015356.
Bloom syndrome (BLM). Also called: Bloom-Torre-Machacek syndrome. Identifiers: Orphanet 125, MedGen C0005859, MONDO:0008876, OMIM 210900.

Allele frequency attached by ClinVar (database versions not stated): gnomAD 0.00001; TOPMed 0.00001; 1000 Genomes Project 30x 0.00031.
gnomAD v4.1: 14 of 1,613,656 alleles (0.00087%); highest among the groups gnomAD compares: South Asian, 0.015%; no homozygotes.

Submissions (4):

Labcorp Genetics (formerly Invitae), Labcorp
Classification: Likely benign for Bloom syndrome. Last evaluated: 2025-08-28. Review status: criteria provided, single submitter. Criteria: Invitae Variant Classification Sherloc (09022015). Collection method: clinical testing. Allele origin: germline.

Blueprint Genetics
Classification: Likely benign. Last evaluated: 2022-09-09. Review status: criteria provided, single submitter. Criteria: ACMG Guidelines, 2015. Collection method: clinical testing. Allele origin: germline.

Ambry Genetics
Classification: Likely benign for Hereditary cancer-predisposing syndrome. Last evaluated: 2021-10-28. Review status: criteria provided, single submitter. Criteria: Ambry Variant Classification Scheme 2023. Collection method: clinical testing. Allele origin: germline.

PreventionGenetics, part of Exact Sciences
Classification: Likely benign for BLM-related condition. Last evaluated: 2024-01-05. Review status: no assertion criteria provided. Collection method: clinical testing. Allele origin: germline. Not counted in ClinVar's aggregate classification.
Comment: This variant is classified as likely benign based on ACMG/AMP sequence variant interpretation guidelines (Richards et al. 2015 PMID: 25741868, with internal and published modifications).

NM_000057.4(BLM):c.3900C>T (p.Ser1300=)

Gene: BLM (BLM RecQ like helicase; plus strand). Cytogenetic location: 15q26.1.
Variant type: single nucleotide variant.
Coding change: c.3900C>T on transcript NM_000057.4 (MANE Select); coding-DNA position 3900, C replaced by T.
Protein change: p.Ser1300=; no amino-acid change (serine 1300 retained).
Molecular consequence: synonymous variant.
Genome position (GRCh38, 1-based): chr15:90,811,230, C>T. VCF-style: chr15-90811230-C-T. GRCh37 (hg19) VCF-style: chr15-91354460-C-T.
Other names: c.3900C>T, p.Ser1300= (NM_001287246.2); c.3507C>T, p.Ser1169= (NM_001287247.2); c.2775C>T, p.Ser925= (NM_001287248.2); c.3900C>T (NM_000057.3).
Identifiers: ClinVar variation 1160997 (VCV001160997.14), dbSNP rs769564626, ClinGen allele CA7739156.